The following is an entry in ClinVar:

NM_006493.4(CLN5):c.431G>A (p.Cys144Tyr)

Gene: CLN5 (CLN5 lysosomal BMP synthase; plus strand). Cytogenetic location: 13q22.3.
Variant type: single nucleotide variant.
Coding change: c.431G>A on transcript NM_006493.4 (MANE Select); coding-DNA position 431, G replaced by A.
Protein change: p.Cys144Tyr; replaces cysteine 144 with tyrosine.
Molecular consequence: missense variant.
Genome position (GRCh38, 1-based): chr13:76,995,993, G>A. VCF-style: chr13-76995993-G-A. GRCh37 (hg19) VCF-style: chr13-77570128-G-A.
Other names: c.578G>A (LRG_692t1); c.431G>A, p.Cys144Tyr (NM_001366624.2); short protein forms C144Y.
Identifiers: ClinVar variation 623394 (VCV000623394.5), dbSNP rs1566219136, ClinGen allele CA388309019.
Genomic context (GRCh38, chr13:76,995,993, plus strand): 5'-GTACATTAACTGGCAAGAACTACACAATGGAATGGTATGAACTTTTCCAACTTGGCAACT[G>A]TACATTTCCCCATCTCCGACCTGAAATGGATGCCCCTTTCTGGTGTAATCAAGGCGCTGC-3'
Protein context (NP_006484.2, residues 134-154): EWYELFQLGN[Cys144Tyr]TFPHLRPEMD

ClinVar aggregate classification (germline): Pathogenic. Review status: criteria provided, multiple submitters, no conflicts (2 of 4 stars). 3 submissions from 3 submitters: Pathogenic (2). 1 of the submissions does not count toward it. Last evaluated 2021-08-10.

Conditions:
Neuronal ceroid lipofuscinosis 5 (CLN5). Also called: CEROID LIPOFUSCINOSIS, NEURONAL, 5, VARIABLE AGE AT ONSET; CLN5-Related Neuronal Ceroid-Lipofuscinosis; Neuronal ceroid lipofuscinosis Finnish variant; NEURONAL CEROID LIPOFUSCINOSIS, LATE INFANTILE, FINNISH VARIANT. Identifiers: Orphanet 168491, Orphanet 228360, MedGen C1850442, MONDO:0009745, OMIM 256731.

Submissions (3):

Genome-Nilou Lab
Classification: Pathogenic for Neuronal ceroid lipofuscinosis 5. Last evaluated: 2021-08-10. Review status: criteria provided, single submitter. Criteria: ACMG Guidelines, 2015. Collection method: clinical testing. Allele origin: germline. Affected: no.

Department of Genetics, Sultan Qaboos University Hospital
Classification: Pathogenic for Neuronal ceroid lipofuscinosis 5. Last evaluated: 2017-12-30. Review status: criteria provided, single submitter. Criteria: ACMG Guidelines, 2015. Collection method: clinical testing. Allele origin: unknown. Affected: yes.

Hong-Tao Li Lab, Institute of Brain Science and Brain-inspired Research, Shandong First Medical University & Shandong Academy of Medical Sciences China
Classification: Pathogenic for Neuronal ceroid lipofuscinosis 5. Review status: no assertion criteria provided. Collection method: research. Allele origin: germline. Inheritance: Autosomal recessive inheritance. Affected: yes. Observed: 1 variant allele, 1 homozygote. Not counted in ClinVar's aggregate classification.
Comment: Observed in affected individuals from a Pakistani neurodevelopmental-disorder research cohort of 263 individuals. Classification assigned using the ACMG/AMP framework.